The following is an entry in ClinVar:

ClinVar aggregate classification (germline): Uncertain significance (1 of 4 stars; one submission).

Allele frequency attached by ClinVar (database versions not stated): gnomAD exomes below 0.00001.
gnomAD v4.1: 2 of 1,613,276 alleles (0.00012%); highest among the groups gnomAD compares: Admixed American, 0.0017%; no homozygotes.

Submission:

Labcorp Genetics (formerly Invitae), Labcorp
Classification: Uncertain significance. Last evaluated: 2025-08-16. Review status: criteria provided, single submitter. Criteria: Invitae Variant Classification Sherloc (09022015). Collection method: clinical testing. Allele origin: germline.
Comment: This sequence change replaces histidine, which is basic and polar, with arginine, which is basic and polar, at codon 86 of the RARS protein (p.His86Arg). This variant is not present in population databases (gnomAD no frequency). This variant has not been reported in the literature in individuals affected with RARS-related conditions. ClinVar contains an entry for this variant (Variation ID: 2129418). Invitae Evidence Modeling of protein sequence and biophysical properties (such as structural, functional, and spatial information, amino acid conservation, physicochemical variation, residue mobility, and thermodynamic stability) indicates that this missense variant is not expected to disrupt RARS protein function with a negative predictive value of 80%. In summary, the available evidence is currently insufficient to determine the role of this variant in disease. Therefore, it has been classified as a Variant of Uncertain Significance.

NM_002887.4(RARS1):c.257A>G (p.His86Arg)

Gene: RARS1 (arginyl-tRNA synthetase 1; plus strand). Cytogenetic location: 5q34.
Variant type: single nucleotide variant.
Coding change: c.257A>G on transcript NM_002887.4 (MANE Select); coding-DNA position 257, A replaced by G.
Protein change: p.His86Arg; replaces histidine 86 with arginine.
Molecular consequence: missense variant.
Genome position (GRCh38, 1-based): chr5:168,492,735, A>G. VCF-style: chr5-168492735-A-G. GRCh37 (hg19) VCF-style: chr5-167919740-A-G.
Other names: short protein forms H86R.
Identifiers: ClinVar variation 2129418 (VCV002129418.4), dbSNP rs1758110622, ClinGen allele CA362078535.